The following is an entry in ClinVar:

NM_001540.5(HSPB1):c.108C>G (p.Pro36=)

Gene: HSPB1 (heat shock protein family B (small) member 1; plus strand). Cytogenetic location: 7q11.23.
Variant type: single nucleotide variant.
Coding change: c.108C>G on transcript NM_001540.5 (MANE Select); coding-DNA position 108, C replaced by G.
Protein change: p.Pro36=; no amino-acid change (proline 36 retained).
Molecular consequence: synonymous variant.
Genome position (GRCh38, 1-based): chr7:76,302,820, C>G. VCF-style: chr7-76302820-C-G. GRCh37 (hg19) VCF-style: chr7-75932137-C-G.
Identifiers: ClinVar variation 909658 (VCV000909658.4), dbSNP rs765197724, ClinGen allele CA4306256.

ClinVar aggregate classification (germline): Benign/Likely benign. Review status: criteria provided, single submitter (1 of 4 stars). 2 submissions from 1 submitter: Benign (1); Likely benign (1). Last evaluated 2018-01-13.

Conditions:
Neuronopathy, distal hereditary motor, type 2B. Also called: HMN IIB; NEURONOPATHY, DISTAL HEREDITARY MOTOR, AUTOSOMAL DOMINANT 3; NEURONOPATHY, DISTAL HEREDITARY MOTOR, HARDING TYPE IIB; NEUROPATHY, DISTAL HEREDITARY MOTOR, HARDING TYPE IIB. Identifiers: Orphanet 139525, MedGen C2608087, MONDO:0012080, OMIM 608634.
Charcot-Marie-Tooth disease axonal type 2F (CMT2F). Also called: Charcot-Marie-Tooth Neuropathy Type 2F; CHARCOT-MARIE-TOOTH DISEASE, NEURONAL, TYPE 2F. Identifiers: Orphanet 99940, MedGen C1847823, MONDO:0011687, OMIM 606595.

Allele frequency attached by ClinVar (database versions not stated): TOPMed 0.00005; 1000 Genomes Project 30x 0.00016.
gnomAD v4.1: 25 of 1,606,780 alleles (0.0016%); highest among the groups gnomAD compares: East Asian, 0.056%; no homozygotes.

Submissions (2):

Illumina Laboratory Services, Illumina
Classification: Benign for Neuronopathy, distal hereditary motor, type 2B. Last evaluated: 2018-01-13. Review status: criteria provided, single submitter. Criteria: ICSL Variant Classification Criteria 13 December 2019. Collection method: clinical testing. Allele origin: germline.
Comment: This variant was observed in the ICSL laboratory as part of a predisposition screen in an ostensibly healthy population. It had not been previously curated by ICSL or reported in the Human Gene Mutation Database (HGMD: prior to June 1st, 2018), and was therefore a candidate for classification through an automated scoring system. Utilizing variant allele frequency, disease prevalence and penetrance estimates, and inheritance mode, an automated score was calculated to assess if this variant is too frequent to cause the disease. Based on the score and internal cut-off values, a variant classified as benign is not then subjected to further curation. The score for this variant resulted in a classification of benign for this disease.

Illumina Laboratory Services, Illumina
Classification: Likely benign for Charcot-Marie-Tooth disease axonal type 2F. Last evaluated: 2018-01-13. Review status: criteria provided, single submitter. Criteria: ICSL Variant Classification Criteria 13 December 2019. Collection method: clinical testing. Allele origin: germline.
Comment: This variant was observed in the ICSL laboratory as part of a predisposition screen in an ostensibly healthy population. It had not been previously curated by ICSL or reported in the Human Gene Mutation Database (HGMD: prior to June 1st, 2018), and was therefore a candidate for classification through an automated scoring system. Utilizing variant allele frequency, disease prevalence and penetrance estimates, and inheritance mode, an automated score was calculated to assess if this variant is too frequent to cause the disease. Based on the score and internal cut-off values, a variant classified as likely benign is not then subjected to further curation. The score for this variant resulted in a classification of likely benign for this disease.